The following is an entry in ClinVar:

ClinVar aggregate classification (germline): Uncertain significance. Review status: criteria provided, multiple submitters, no conflicts (2 of 4 stars). 2 submissions from 2 submitters: Uncertain significance (2). Last evaluated 2026-02-04.

Conditions:
PLXNA3-related disorder. Also called: PLXNA3-related condition.

Allele frequency attached by ClinVar (database versions not stated): 1000 Genomes Project 30x 0.00042; 1000 Genomes Project 0.00053.
gnomAD v4.1: 197 of 1,203,649 alleles (0.016%); highest among the groups gnomAD compares: Middle Eastern, 0.023%; no homozygotes.

Submissions (2):

PreventionGenetics, part of Exact Sciences
Classification: Uncertain significance for PLXNA3-related condition. Last evaluated: 2026-02-04. Review status: criteria provided, single submitter. Criteria: ACMG Guidelines, 2015. Collection method: clinical testing. Allele origin: germline.
Comment: The PLXNA3 c.1204G>A variant is predicted to result in the amino acid substitution p.Glu402Lys. To our knowledge, this variant has not been reported in the literature. This variant is reported in 0.022% of alleles in individuals of East Asian descent in gnomAD, including 2 hemizygotes, which may be too frequent to be a primary cause of disease. Although we suspect that c.1204G>A may be benign, the clinical significance of this variant is currently classified as uncertain due to the absence of conclusive functional and genetic evidence.

Ambry Genetics
Classification: Uncertain significance. Last evaluated: 2022-04-28. Review status: criteria provided, single submitter. Criteria: Ambry Variant Classification Scheme 2023. Collection method: clinical testing. Allele origin: germline.

NM_017514.5(PLXNA3):c.1204G>A (p.Glu402Lys)

Gene: PLXNA3 (plexin A3; plus strand). Cytogenetic location: Xq28.
Variant type: single nucleotide variant.
Coding change: c.1204G>A on transcript NM_017514.5 (MANE Select); coding-DNA position 1204, G replaced by A.
Protein change: p.Glu402Lys; replaces glutamic acid 402 with lysine.
Molecular consequence: missense variant.
Genome position (GRCh38, 1-based): chrX:154,462,197, G>A. VCF-style: chrX-154462197-G-A. GRCh37 (hg19) VCF-style: chrX-153690537-G-A.
Other names: c.1204G>A (NM_017514.3); short protein forms E402K.
Identifiers: ClinVar variation 2634436 (VCV002634436.4), dbSNP rs200444772, ClinGen allele CA10563951.